The following is an entry in ClinVar:

NM_153704.6(TMEM67):c.28G>A (p.Ala10Thr)

Gene: TMEM67 (transmembrane protein 67; plus strand). Cytogenetic location: 8q22.1.
Variant type: single nucleotide variant.
Coding change: c.28G>A on transcript NM_153704.6 (MANE Select); coding-DNA position 28, G replaced by A.
Protein change: p.Ala10Thr; replaces alanine 10 with threonine.
Molecular consequence: missense variant. On other transcripts: non-coding transcript variant (1), intron variant (1).
Genome position (GRCh38, 1-based): chr8:93,754,942, G>A. VCF-style: chr8-93754942-G-A. GRCh37 (hg19) VCF-style: chr8-94767170-G-A.
Other names: c.-180+33G>A (NM_001142301.1); c.28G>A (NM_153704.5); short protein forms A10T.
Identifiers: ClinVar variation 1396850 (VCV001396850.6), dbSNP rs1247854097, ClinGen allele CA371685095.

ClinVar aggregate classification (germline): Uncertain significance. Review status: criteria provided, multiple submitters, no conflicts (2 of 4 stars). 3 submissions from 3 submitters: Uncertain significance (3). Last evaluated 2024-11-05.

Conditions:
TMEM67-related disorder. Also called: TMEM67-related disorders; TMEM67-related condition. Identifiers: MedGen CN239423.
Inborn genetic diseases. Identifiers: MedGen C0950123, MeSH D030342.
Joubert syndrome. Also called: Familial aplasia of the vermis; JOUBERT-BOLTSHAUSER SYNDROME. Identifiers: Orphanet 475, MedGen C5979921, MONDO:0018772.
Meckel-Gruber syndrome. Also called: Dysencephalia splachnocystica; GRUBER SYNDROME; DYSENCEPHALIA SPLANCHNOCYSTICA. Identifiers: Orphanet 564, MedGen C0265215, MONDO:0018921.

Allele frequency attached by ClinVar (database versions not stated): gnomAD exomes below 0.00001 and 0.00001; TOPMed below 0.00001; gnomAD 0.00001.
gnomAD v4.1: 4 of 1,613,868 alleles (0.00025%); highest among the groups gnomAD compares: East Asian, 0.0045%; no homozygotes.

Submissions (3):

Labcorp Genetics (formerly Invitae), Labcorp
Classification: Uncertain significance for Joubert syndrome; Meckel-Gruber syndrome. Last evaluated: 2024-11-05. Review status: criteria provided, single submitter. Criteria: Invitae Variant Classification Sherloc (09022015). Collection method: clinical testing. Allele origin: germline.
Comment: This sequence change replaces alanine, which is neutral and non-polar, with threonine, which is neutral and polar, at codon 10 of the TMEM67 protein (p.Ala10Thr). This variant is present in population databases (no rsID available, gnomAD 0.02%). This variant has not been reported in the literature in individuals affected with TMEM67-related conditions. ClinVar contains an entry for this variant (Variation ID: 1396850). An algorithm developed to predict the effect of missense changes on protein structure and function outputs the following: PolyPhen-2: "Benign". The threonine amino acid residue is found in multiple mammalian species, which suggests that this missense change does not adversely affect protein function. In summary, the available evidence is currently insufficient to determine the role of this variant in disease. Therefore, it has been classified as a Variant of Uncertain Significance.

PreventionGenetics, part of Exact Sciences
Classification: Uncertain significance for TMEM67-related condition. Last evaluated: 2024-11-02. Review status: criteria provided, single submitter. Criteria: ACMG Guidelines, 2015. Collection method: clinical testing. Allele origin: germline.
Comment: The TMEM67 c.28G>A variant is predicted to result in the amino acid substitution p.Ala10Thr. To our knowledge, this variant has not been reported in the literature. This variant is reported in 0.015% of alleles in individuals of East Asian descent in gnomAD. At this time, the clinical significance of this variant is uncertain due to the absence of conclusive functional and genetic evidence.

Ambry Genetics
Classification: Uncertain significance for Inborn genetic diseases. Last evaluated: 2023-12-12. Review status: criteria provided, single submitter. Criteria: Ambry Variant Classification Scheme 2023. Collection method: clinical testing. Allele origin: germline.